The following is an entry in ClinVar:

NM_001845.6(COL4A1):c.43G>A (p.Ala15Thr)

Gene: COL4A1 (collagen type IV alpha 1 chain; minus strand). Cytogenetic location: 13q34.
Variant type: single nucleotide variant.
Coding change: c.43G>A on transcript NM_001845.6 (MANE Select); coding-DNA position 43, G replaced by A.
Protein change: p.Ala15Thr; replaces alanine 15 with threonine.
Molecular consequence: missense variant.
Genome position (GRCh38, 1-based): chr13:110,306,985, C>T on the plus strand (G>A on the coding strand, the complement: COL4A1 is on the minus strand). VCF-style: chr13-110306985-C-T. GRCh37 (hg19) VCF-style: chr13-110959332-C-T.
Other names: c.43G>A, p.Ala15Thr (NM_001303110.2); short protein forms A15T.
Identifiers: ClinVar variation 1316981 (VCV001316981.10), dbSNP rs991189007, ClinGen allele CA256274317.

ClinVar aggregate classification (germline): Conflicting classifications of pathogenicity. Review status: criteria provided, conflicting classifications (1 of 4 stars). 4 submissions from 4 submitters: Uncertain significance (3); Likely benign (1). Last evaluated 2025-09-22.

Conditions:
Brain small vessel disease 1 with or without ocular anomalies (BSVD1). Also called: PORENCEPHALY, TYPE 1, AUTOSOMAL DOMINANT; BRAIN SMALL VESSEL DISEASE WITH HEMORRHAGE; GOULD SYNDROME 1; Brain small vessel disease with or without ocular anomalies. Identifiers: Orphanet 2940, Orphanet 36383, Orphanet 99810, MedGen C4755307, MONDO:0008289, OMIM 175780.
Retinal arterial tortuosity. Also called: RETINAL HEMORRHAGE WITH VASCULAR TORTUOSITY; Retinal arteries, tortuosity of. Identifiers: Orphanet 75326, MedGen C0423401, MONDO:0008373, OMIM 180000, HP:0000631.
Microangiopathy and leukoencephalopathy, pontine, autosomal dominant. Also called: Pontine autosomal dominant microangiopathy with leukoencephalopathy; DEMENTIA, HEREDITARY MULTI-INFARCT, SWEDISH TYPE. Identifiers: Orphanet 477749, MedGen C5231411, MONDO:0032814, OMIM 618564.
Autosomal dominant familial hematuria-retinal arteriolar tortuosity-contractures syndrome. Also called: Angiopathy, hereditary, with nephropathy, aneurysms, and muscle cramps; Hereditary Angiopathy with Nephropathy, Aneurysms, and Muscle Cramps (HANAC) Syndrome. Identifiers: Orphanet 73229, MedGen C2673195, MONDO:0012726, OMIM 611773.
Hemorrhage, intracerebral, susceptibility to (ICH). Also called: Stroke, hemorrhagic, susceptibility to. Identifiers: MedGen C3281105, MONDO:0100533, OMIM 614519.
Inborn genetic diseases. Identifiers: MedGen C0950123, MeSH D030342.

Allele frequency attached by ClinVar (database versions not stated): gnomAD 0.00001; gnomAD exomes 0.00002 and 0.00007; TOPMed 0.00005.
gnomAD v4.1: 9 of 1,476,926 alleles (0.00061%); highest among the groups gnomAD compares: Admixed American, 0.021%; no homozygotes.

Submissions (4):

Labcorp Genetics (formerly Invitae), Labcorp
Classification: Uncertain significance. Last evaluated: 2025-09-22. Review status: criteria provided, single submitter. Criteria: Invitae Variant Classification Sherloc (09022015). Collection method: clinical testing. Allele origin: germline.
Comment: This sequence change replaces alanine, which is neutral and non-polar, with threonine, which is neutral and polar, at codon 15 of the COL4A1 protein (p.Ala15Thr). The frequency data for this variant in the population databases is considered unreliable, as metrics indicate poor data quality at this position in the gnomAD database. This variant has not been reported in the literature in individuals affected with COL4A1-related conditions. ClinVar contains an entry for this variant (Variation ID: 1316981). Invitae Evidence Modeling of protein sequence and biophysical properties (such as structural, functional, and spatial information, amino acid conservation, physicochemical variation, residue mobility, and thermodynamic stability) indicates that this missense variant is not expected to disrupt COL4A1 protein function with a negative predictive value of 95%. In summary, the available evidence is currently insufficient to determine the role of this variant in disease. Therefore, it has been classified as a Variant of Uncertain Significance.

Ambry Genetics
Classification: Likely benign for Inborn genetic diseases. Last evaluated: 2025-05-03. Review status: criteria provided, single submitter. Criteria: Ambry Variant Classification Scheme 2023. Collection method: clinical testing. Allele origin: germline.

GeneDx
Classification: Uncertain significance. Last evaluated: 2024-10-28. Review status: criteria provided, single submitter. Criteria: GeneDx Variant Classification Process June 2021. Collection method: clinical testing. Allele origin: germline. Affected: yes.
Comment: Has not been previously published as pathogenic or benign to our knowledge; In silico analysis indicates that this missense variant does not alter protein structure/function

Fulgent Genetics
Classification: Uncertain significance for Brain small vessel disease 1 with or without ocular anomalies; Retinal arterial tortuosity; Autosomal dominant familial hematuria-retinal arteriolar tortuosity-contractures syndrome; Hemorrhage, intracerebral, susceptibility to; Microangiopathy and leukoencephalopathy, pontine, autosomal dominant. Last evaluated: 2024-03-20. Review status: criteria provided, single submitter. Criteria: ACMG Guidelines, 2015. Collection method: clinical testing. Allele origin: germline.